The following is an entry in ClinVar:

ClinVar aggregate classification (germline): Uncertain significance (1 of 4 stars; one submission).

Allele frequency attached by ClinVar (database versions not stated): gnomAD exomes below 0.00001 and 0.00002; TOPMed below 0.00001; gnomAD 0.00001; ExAC 0.00002; 1000 Genomes Project 30x 0.00016; 1000 Genomes Project 0.00020.
gnomAD v4.1: 7 of 1,614,156 alleles (0.00043%); highest among the groups gnomAD compares: East Asian, 0.016%; no homozygotes.

Submission:

Labcorp Genetics (formerly Invitae), Labcorp
Classification: Uncertain significance. Last evaluated: 2024-06-19. Review status: criteria provided, single submitter. Criteria: Invitae Variant Classification Sherloc (09022015). Collection method: clinical testing. Allele origin: germline.
Comment: This sequence change replaces lysine, which is basic and polar, with isoleucine, which is neutral and non-polar, at codon 216 of the SERPING1 protein (p.Lys216Ile). This variant is present in population databases (rs376688019, gnomAD 0.03%). This variant has not been reported in the literature in individuals affected with SERPING1-related conditions. ClinVar contains an entry for this variant (Variation ID: 1377647). Advanced modeling of protein sequence and biophysical properties (such as structural, functional, and spatial information, amino acid conservation, physicochemical variation, residue mobility, and thermodynamic stability) performed at Invitae indicates that this missense variant is not expected to disrupt SERPING1 protein function with a negative predictive value of 80%. In summary, the available evidence is currently insufficient to determine the role of this variant in disease. Therefore, it has been classified as a Variant of Uncertain Significance.

NM_000062.3(SERPING1):c.647A>T (p.Lys216Ile)

Gene: SERPING1 (serpin family G member 1; plus strand). Cytogenetic location: 11q12.1.
Variant type: single nucleotide variant.
Coding change: c.647A>T on transcript NM_000062.3 (MANE Select); coding-DNA position 647, A replaced by T.
Protein change: p.Lys216Ile; replaces lysine 216 with isoleucine.
Molecular consequence: missense variant.
Genome position (GRCh38, 1-based): chr11:57,602,131, A>T. VCF-style: chr11-57602131-A-T. GRCh37 (hg19) VCF-style: chr11-57369604-A-T.
Other names: c.647A>T, p.Lys216Ile (NM_001032295.2); short protein forms K216I.
Identifiers: ClinVar variation 1377647 (VCV001377647.6), dbSNP rs376688019, ClinGen allele CA6008088.